The following is an entry in ClinVar:

NM_014159.7(SETD2):c.6770T>G (p.Leu2257Trp)

Gene: SETD2 (SET domain containing 2, histone lysine methyltransferase; minus strand). Cytogenetic location: 3p21.31.
Variant type: single nucleotide variant.
Coding change: c.6770T>G on transcript NM_014159.7 (MANE Select); coding-DNA position 6770, T replaced by G.
Protein change: p.Leu2257Trp; replaces leucine 2257 with tryptophan.
Molecular consequence: missense variant. On other transcripts: non-coding transcript variant (1).
Genome position (GRCh38, 1-based): chr3:47,057,014, A>C on the plus strand (T>G on the coding strand, the complement: SETD2 is on the minus strand). VCF-style: chr3-47057014-A-C. GRCh37 (hg19) VCF-style: chr3-47098504-A-C.
Other names: c.6638T>G, p.Leu2213Trp (NM_001349370.3); short protein forms L2257W, L2213W.
Identifiers: ClinVar variation 855185 (VCV000855185.5), dbSNP rs1403270185, ClinGen allele CA352519840.

ClinVar aggregate classification (germline): Uncertain significance (1 of 4 stars; one submission).

Conditions:
Luscan-Lumish syndrome. Identifiers: Orphanet 597738, MedGen C4085873, MONDO:0014791, OMIM 616831.

Allele frequency attached by ClinVar (database versions not stated): gnomAD exomes 0.00001 and 0.00003.
gnomAD v4.1: 49 of 1,614,270 alleles (0.003%); highest among the groups gnomAD compares: Non-Finnish European, 0.0042%; no homozygotes.

Submission:

Labcorp Genetics (formerly Invitae), Labcorp
Classification: Uncertain significance for Luscan-Lumish syndrome. Last evaluated: 2019-03-06. Review status: criteria provided, single submitter. Criteria: Invitae Variant Classification Sherloc (09022015). Collection method: clinical testing. Allele origin: germline.
Comment: This sequence change replaces leucine with tryptophan at codon 2257 of the SETD2 protein (p.Leu2257Trp). The leucine residue is moderately conserved and there is a small physicochemical difference between leucine and tryptophan. This variant is not present in population databases (ExAC no frequency). This variant has not been reported in the literature in individuals with SETD2-related conditions. Algorithms developed to predict the effect of missense changes on protein structure and function are either unavailable or do not agree on the potential impact of this missense change (SIFT: "Deleterious"; PolyPhen-2: "Possibly Damaging"; Align-GVGD: "Class C0"). In summary, the available evidence is currently insufficient to determine the role of this variant in disease. Therefore, it has been classified as a Variant of Uncertain Significance.